The following is an entry in ClinVar:

NM_003070.5(SMARCA2):c.4735C>T (p.Arg1579Cys)

Gene: SMARCA2 (SWI/SNF related BAF chromatin remodeling complex subunit ATPase 2; plus strand). Cytogenetic location: 9p24.3.
Variant type: single nucleotide variant.
Coding change: c.4735C>T on transcript NM_003070.5 (MANE Select); coding-DNA position 4735, C replaced by T.
Protein change: p.Arg1579Cys; replaces arginine 1579 with cysteine.
Molecular consequence: missense variant.
Genome position (GRCh38, 1-based): chr9:2,191,406, C>T. VCF-style: chr9-2191406-C-T. GRCh37 (hg19) VCF-style: chr9-2191406-C-T.
Other names: c.4735C>T, p.Arg1579Cys (NM_001289396.2); c.4507C>T, p.Arg1503Cys (NM_001289397.2); c.709C>T, p.Arg237Cys (NM_001289398.2); c.793C>T, p.Arg265Cys (NM_001289399.2); c.799C>T, p.Arg267Cys (NM_001289400.2); c.4681C>T, p.Arg1561Cys (NM_139045.4); short protein forms R237C, R1503C, R1561C, R267C, R265C, R1579C.
Identifiers: ClinVar variation 1990223 (VCV001990223.4), dbSNP rs367755009, ClinGen allele CA4964296.

ClinVar aggregate classification (germline): Uncertain significance (1 of 4 stars; one submission).

Allele frequency attached by ClinVar (database versions not stated): TOPMed below 0.00001; ExAC 0.00002; gnomAD 0.00002; gnomAD exomes 0.00002.
gnomAD v4.1: 35 of 1,613,940 alleles (0.0022%); highest among the groups gnomAD compares: African/African-American, 0.0027%; no homozygotes.

Submission:

Labcorp Genetics (formerly Invitae), Labcorp
Classification: Uncertain significance. Last evaluated: 2022-06-01. Review status: criteria provided, single submitter. Criteria: Invitae Variant Classification Sherloc (09022015). Collection method: clinical testing. Allele origin: germline.
Comment: This variant has not been reported in the literature in individuals affected with SMARCA2-related conditions. This variant is present in population databases (rs367755009, gnomAD 0.004%). This sequence change replaces arginine, which is basic and polar, with cysteine, which is neutral and slightly polar, at codon 1579 of the SMARCA2 protein (p.Arg1579Cys). Algorithms developed to predict the effect of missense changes on protein structure and function are either unavailable or do not agree on the potential impact of this missense change (SIFT: "Deleterious"; PolyPhen-2: "Not Available"; Align-GVGD: "Class C0"). In summary, the available evidence is currently insufficient to determine the role of this variant in disease. Therefore, it has been classified as a Variant of Uncertain Significance.